The following is an entry in ClinVar:

NM_206933.4(USH2A):c.3598G>A (p.Gly1200Ser)

Genes: USH2A (usherin; minus strand), USH2A-AS1 (USH2A antisense RNA 1; plus strand). Cytogenetic location: 1q41.
Variant type: single nucleotide variant.
Coding change: c.3598G>A on transcript NM_206933.4 (MANE Select); coding-DNA position 3598, G replaced by A.
Protein change: p.Gly1200Ser; replaces glycine 1200 with serine.
Molecular consequence: missense variant.
Genome position (GRCh38, 1-based): chr1:216,199,840, C>T on the plus strand (G>A on the coding strand, the complement: USH2A is on the minus strand). VCF-style: chr1-216199840-C-T. GRCh37 (hg19) VCF-style: chr1-216373182-C-T.
Other names: c.3598G>A, p.Gly1200Ser (NM_007123.6); short protein forms G1200S.
Identifiers: ClinVar variation 1349313 (VCV001349313.6), dbSNP rs1191555571, ClinGen allele CA344868089.

ClinVar aggregate classification (germline): Uncertain significance (1 of 4 stars; one submission).

Allele frequency attached by ClinVar (database versions not stated): gnomAD 0.00001.
gnomAD v4.1: 3 of 1,613,980 alleles (0.00019%); highest among the groups gnomAD compares: East Asian, 0.0045%; no homozygotes.

Submission:

Labcorp Genetics (formerly Invitae), Labcorp
Classification: Uncertain significance. Last evaluated: 2022-11-22. Review status: criteria provided, single submitter. Criteria: Invitae Variant Classification Sherloc (09022015). Collection method: clinical testing. Allele origin: germline.
Comment: This sequence change replaces glycine, which is neutral and non-polar, with serine, which is neutral and polar, at codon 1200 of the USH2A protein (p.Gly1200Ser). In summary, the available evidence is currently insufficient to determine the role of this variant in disease. Therefore, it has been classified as a Variant of Uncertain Significance. Advanced modeling of protein sequence and biophysical properties (such as structural, functional, and spatial information, amino acid conservation, physicochemical variation, residue mobility, and thermodynamic stability) performed at Invitae indicates that this missense variant is not expected to disrupt USH2A protein function. ClinVar contains an entry for this variant (Variation ID: 1349313). This variant has not been reported in the literature in individuals affected with USH2A-related conditions. This variant is present in population databases (no rsID available, gnomAD 0.06%).